The following is an entry in ClinVar:

ClinVar aggregate classification (germline): Uncertain significance (1 of 4 stars; one submission).

gnomAD v4.1: 1 of 1,614,102 alleles (0.000062%); highest among the groups gnomAD compares: African/African-American, 0.0013%; no homozygotes.

Submission:

GeneDx
Classification: Uncertain significance. Last evaluated: 2026-02-25. Review status: criteria provided, single submitter. Criteria: GeneDx Variant Classification Process June 2021. Collection method: clinical testing. Allele origin: germline.
Comment: Not observed at significant frequency in large population cohorts (gnomAD); In silico analysis supports that this missense variant has a deleterious effect on protein structure/function; Has not been previously published as pathogenic or benign to our knowledge

NM_007118.4(TRIO):c.3484C>T (p.Leu1162Phe)

Gene: TRIO (trio Rho guanine nucleotide exchange factor; plus strand). Cytogenetic location: 5p15.2.
Variant type: single nucleotide variant.
Coding change: c.3484C>T on transcript NM_007118.4 (MANE Select); coding-DNA position 3484, C replaced by T.
Protein change: p.Leu1162Phe; replaces leucine 1162 with phenylalanine.
Molecular consequence: missense variant. On other transcripts: non-coding transcript variant (1).
Genome position (GRCh38, 1-based): chr5:14,381,166, C>T. VCF-style: chr5-14381166-C-T. GRCh37 (hg19) VCF-style: chr5-14381275-C-T.
Other names: short protein forms L1162F.
Identifiers: ClinVar variation 5010023 (VCV005010023.1).